The following is an entry in ClinVar:

NM_000147.5(FUCA1):c.11C>T (p.Pro4Leu)

Gene: FUCA1 (alpha-L-fucosidase 1; minus strand). Cytogenetic location: 1p36.11.
Variant type: single nucleotide variant.
Coding change: c.11C>T on transcript NM_000147.5 (MANE Select); coding-DNA position 11, C replaced by T.
Protein change: p.Pro4Leu; replaces proline 4 with leucine.
Molecular consequence: missense variant.
Genome position (GRCh38, 1-based): chr1:23,868,276, G>A on the plus strand (C>T on the coding strand, the complement: FUCA1 is on the minus strand). VCF-style: chr1-23868276-G-A. GRCh37 (hg19) VCF-style: chr1-24194766-G-A.
Other names: short protein forms P4L.
Identifiers: ClinVar variation 1413534 (VCV001413534.3), dbSNP rs747889861, ClinGen allele CA686648.

ClinVar aggregate classification (germline): Uncertain significance (1 of 4 stars; one submission).

Conditions:
Fucosidosis. Also called: ALPHA-L-FUCOSIDASE DEFICIENCY. Identifiers: Orphanet 349, MedGen C0016788, MONDO:0009254, OMIM 230000.

Allele frequency attached by ClinVar (database versions not stated): gnomAD exomes 0.00002 and 0.00006; TOPMed 0.00002; gnomAD 0.00008 and 0.00009.
gnomAD v4.1: 38 of 1,551,552 alleles (0.0024%); highest among the groups gnomAD compares: African/African-American, 0.011%; no homozygotes.

Submission:

Labcorp Genetics (formerly Invitae), Labcorp
Classification: Uncertain significance for Fucosidosis. Last evaluated: 2022-06-15. Review status: criteria provided, single submitter. Criteria: Invitae Variant Classification Sherloc (09022015). Collection method: clinical testing. Allele origin: germline.
Comment: This sequence change replaces proline, which is neutral and non-polar, with leucine, which is neutral and non-polar, at codon 4 of the FUCA1 protein (p.Pro4Leu). The frequency data for this variant in the population databases is considered unreliable, as metrics indicate poor data quality at this position in the gnomAD database. This variant has not been reported in the literature in individuals affected with FUCA1-related conditions. Algorithms developed to predict the effect of missense changes on protein structure and function output the following: SIFT: "Tolerated"; PolyPhen-2: "Benign"; Align-GVGD: "Class C0". The leucine amino acid residue is found in multiple mammalian species, which suggests that this missense change does not adversely affect protein function. In summary, the available evidence is currently insufficient to determine the role of this variant in disease. Therefore, it has been classified as a Variant of Uncertain Significance.